The following is an entry in ClinVar:

NM_001358921.2(COQ2):c.809G>A (p.Arg270Gln)

Gene: COQ2 (coenzyme Q2, polyprenyltransferase; minus strand). Cytogenetic location: 4q21.23.
Variant type: single nucleotide variant.
Coding change: c.809G>A on transcript NM_001358921.2 (MANE Select); coding-DNA position 809, G replaced by A.
Protein change: p.Arg270Gln; replaces arginine 270 with glutamine.
Molecular consequence: missense variant.
Genome position (GRCh38, 1-based): chr4:83,267,728, C>T on the plus strand (G>A on the coding strand, the complement: COQ2 is on the minus strand). VCF-style: chr4-83267728-C-T. GRCh37 (hg19) VCF-style: chr4-84188881-C-T.
Other names: c.959G>A, p.Arg320Gln (NM_015697.9); short protein forms R270Q, R320Q.
Identifiers: ClinVar variation 1683946 (VCV001683946.7), dbSNP rs200217650, ClinGen allele CA2988502.
Genomic context (GRCh38, chr4:83,267,728, plus strand): 5'-AGTGCCCCCAGCATTGCAACACTGAAGCCGCTGAGCCACGGCTTGGTATTTTCTCCGAAC[C>T]GCAGAGCCGTTGACTTAAGACCAATCAAAACATCATCTCTTTTGTCCTAATATCAGAAAG-3'
Protein context (NP_001345850.1, residues 260-280): VLIGLKSTAL[Arg270Gln]FGENTKPWLS

ClinVar aggregate classification (germline): Uncertain significance. Review status: criteria provided, multiple submitters, no conflicts (2 of 4 stars). 4 submissions from 4 submitters: Uncertain significance (4). Last evaluated 2024-04-19.

Conditions:
Inborn genetic diseases. Identifiers: MedGen C0950123, MeSH D030342.
Coenzyme Q10 deficiency, primary, 1. Also called: UBIQUINONE DEFICIENCY 1; COENZYME Q DEFICIENCY 1; CoQ DEFICIENCY 1. Identifiers: Orphanet 255249, MedGen C3551954, MONDO:0011829, OMIM 607426.
Multiple system atrophy 1, susceptibility to. Also called: MSA1, SUSCEPTIBILITY TO. Identifiers: MedGen C3714927, MONDO:0020715, OMIM 146500.

Allele frequency attached by ClinVar (database versions not stated): gnomAD exomes 0.00009 and 0.00010; ExAC 0.00013; gnomAD 0.00013 and 0.00015; ESP Exome Variant Server 0.00017; TOPMed 0.00021.
gnomAD v4.1: 166 of 1,552,190 alleles (0.011%); highest among the groups gnomAD compares: African/African-American, 0.03%; no homozygotes.

Submissions (4):

Fulgent Genetics
Classification: Uncertain significance for Multiple system atrophy 1, susceptibility to; Coenzyme Q10 deficiency, primary, 1. Last evaluated: 2024-04-19. Review status: criteria provided, single submitter. Criteria: ACMG Guidelines, 2015. Collection method: clinical testing. Allele origin: germline.

Labcorp Genetics (formerly Invitae), Labcorp
Classification: Uncertain significance. Last evaluated: 2022-08-09. Review status: criteria provided, single submitter. Criteria: Invitae Variant Classification Sherloc (09022015). Collection method: clinical testing. Allele origin: germline.
Comment: This sequence change replaces arginine, which is basic and polar, with glutamine, which is neutral and polar, at codon 320 of the COQ2 protein (p.Arg320Gln). This variant is present in population databases (rs200217650, gnomAD 0.03%). This variant has not been reported in the literature in individuals affected with COQ2-related conditions. ClinVar contains an entry for this variant (Variation ID: 1683946). Algorithms developed to predict the effect of missense changes on protein structure and function (SIFT, PolyPhen-2, Align-GVGD) all suggest that this variant is likely to be tolerated. Algorithms developed to predict the effect of sequence changes on RNA splicing suggest that this variant may create or strengthen a splice site. In summary, the available evidence is currently insufficient to determine the role of this variant in disease. Therefore, it has been classified as a Variant of Uncertain Significance.

GeneDx
Classification: Uncertain significance. Last evaluated: 2022-05-05. Review status: criteria provided, single submitter. Criteria: GeneDx Variant Classification Process June 2021. Collection method: clinical testing. Allele origin: germline. Affected: yes.
Comment: In silico analysis supports that this missense variant does not alter protein structure/function; Has not been previously published as pathogenic or benign to our knowledge

Ambry Genetics
Classification: Uncertain significance for Inborn genetic diseases. Last evaluated: 2021-02-16. Review status: criteria provided, single submitter. Criteria: Ambry Variant Classification Scheme 2023. Collection method: clinical testing. Allele origin: germline.